The following is an entry in ClinVar:

ClinVar aggregate classification (germline): Pathogenic. Review status: criteria provided, single submitter (1 of 4 stars). 2 submissions from 2 submitters: Pathogenic (1). 1 of the submissions does not count toward it. Last evaluated 2024-05-26.

Conditions:
Isolated growth hormone deficiency, type 4. Also called: ISOLATED GROWTH HORMONE DEFICIENCY, TYPE IV; DWARFISM OF SINDH. Identifiers: Orphanet 684247, MedGen C4722273, MONDO:0032567, OMIM 618157.

Allele frequency attached by ClinVar (database versions not stated): TOPMed below 0.00001; gnomAD 0.00001.
gnomAD v4.1: 1 of 1,614,034 alleles (0.000062%); no homozygotes.

Submissions (2):

GeneDx
Classification: Pathogenic. Last evaluated: 2024-05-26. Review status: criteria provided, single submitter. Criteria: GeneDx Variant Classification Process June 2021. Collection method: clinical testing. Allele origin: germline. Affected: yes.
Comment: Nonsense variant predicted to result in protein truncation [or nonsense mediated decay] in a gene for which loss of function is a known mechanism of disease; Not observed at significant frequency in large population cohorts (gnomAD); This variant is associated with the following publications: (PMID: 34589056, 34006472)

Beijing Key Laboratory for Genetic Research of Skeletal Deformity, Peking Union Medical College Hospital
Classification: Likely pathogenic for Isolated growth hormone deficiency, type 4. Last evaluated: 2019-05-31. Review status: no assertion criteria provided. Collection method: research. Allele origin: unknown. Affected: yes. Not counted in ClinVar's aggregate classification.

NM_000823.4(GHRHR):c.731G>A (p.Trp244Ter)

Gene: GHRHR (growth hormone releasing hormone receptor; plus strand). Cytogenetic location: 7p14.3.
Variant type: single nucleotide variant.
Coding change: c.731G>A on transcript NM_000823.4 (MANE Select); coding-DNA position 731, G replaced by A.
Protein change: p.Trp244Ter; replaces tryptophan 244 with a stop codon.
Molecular consequence: nonsense.
Genome position (GRCh38, 1-based): chr7:30,974,118, G>A. VCF-style: chr7-30974118-G-A. GRCh37 (hg19) VCF-style: chr7-31013733-G-A.
Other names: short protein forms W244*.
Identifiers: ClinVar variation 998031 (VCV000998031.2), dbSNP rs1049885467, ClinGen allele CA156115763.